The following is an entry in ClinVar:

NM_004667.6(HERC2):c.3387del (p.Phe1129fs)

Gene: HERC2 (HECT and RLD domain containing E3 ubiquitin protein ligase 2; minus strand). Cytogenetic location: 15q13.1.
Variant type: Deletion.
Coding change: c.3387del on transcript NM_004667.6 (MANE Select); coding-DNA position 3387, one base deleted (T; older notation c.3387delT).
Protein change: p.Phe1129fs; shifts the reading frame from phenylalanine 1129.
Molecular consequence: frameshift variant.
Genome position (GRCh38, 1-based): chr15:28,246,746, A deleted on the plus strand (T on the coding strand, the reverse complement: HERC2 is on the minus strand); the first of 3 consecutive A bases (chr15:28,246,746-28,246,748); deleting any one gives the same sequence. VCF-style (leftmost placement, unchanged base first): chr15-28246745-TA-T. GRCh37 (hg19) VCF-style: chr15-28491891-TA-T.
Other names: short protein forms F1129fs.
Identifiers: ClinVar variation 4854483 (VCV004854483.1).

ClinVar aggregate classification (germline): Likely pathogenic (1 of 4 stars; one submission).

Conditions:
Developmental delay with autism spectrum disorder and gait instability (MRT38). Also called: Intellectual developmental disorder, autosomal recessive 38. Identifiers: Orphanet 329195, MedGen C3809753, MONDO:0014224, OMIM 615516.

Submission:

3billion
Classification: Likely pathogenic for Developmental delay with autism spectrum disorder and gait instability. Last evaluated: 2025-11-17. Review status: criteria provided, single submitter. Criteria: ACMG Guidelines, 2015. Collection method: clinical testing. Allele origin: germline. Affected: yes.
Comment: The variant is not observed in the gnomAD v4.1.0 dataset. Predicted Consequence/Location: Frameshift: predicted to result in a loss or disruption of normal protein function through nonsense-mediated decay (NMD) or protein truncation. Multiple pathogenic variants are reported downstream of the variant. Therefore, this variant is classified as Likely pathogenic according to the recommendation of ACMG/AMP guideline.